The following is an entry in ClinVar:

NM_001276700.2(NLRP6):c.795G>A (p.Pro265=)

Gene: NLRP6 (NLR family pyrin domain containing 6; plus strand). Cytogenetic location: 11p15.5.
Variant type: single nucleotide variant.
Coding change: c.795G>A on transcript NM_001276700.2 (MANE Select); coding-DNA position 795, G replaced by A.
Protein change: p.Pro265=; no amino-acid change (proline 265 retained).
Molecular consequence: synonymous variant.
Genome position (GRCh38, 1-based): chr11:280,529, G>A. VCF-style: chr11-280529-G-A. GRCh37 (hg19) VCF-style: chr11-280529-G-A.
Other names: c.795G>A, p.Pro265= (NM_138329.2).
Identifiers: ClinVar variation 103257 (VCV000103257.2), dbSNP rs199475803, ClinGen allele CA230325.

ClinVar aggregate classification (germline): not provided (0 of 4 stars; one submission).

Allele frequency attached by ClinVar (database versions not stated): ESP Exome Variant Server 0.00024; 1000 Genomes Project 0.00060; gnomAD 0.00068 and 0.00070; gnomAD exomes 0.00075 and 0.00089; 1000 Genomes Project 30x 0.00078; TOPMed 0.00090; ExAC 0.00096.
gnomAD v4.1: 1,344 of 1,560,754 alleles (0.086%); highest among the groups gnomAD compares: Admixed American, 0.17%; 1 homozygote.

Submission:

Human Evolutionary Genetics, Institut Pasteur
No classification provided. Review status: no classification provided. Collection method: not provided. Allele origin: germline.
ClinVar note: Converted during submission from untested to not provided.